The following is an entry in ClinVar:

NM_001034853.2(RPGR):c.3389del (p.Leu1129_Leu1130insTer)

Gene: RPGR (retinitis pigmentosa GTPase regulator; minus strand). Cytogenetic location: Xp11.4.
Variant type: Deletion.
Coding change: c.3389del on transcript NM_001034853.2 (MANE Select); coding-DNA position 3389, one base deleted (T; older notation c.3389delT).
Protein change: p.Leu1129_Leu1130insTer.
Molecular consequence: nonsense. On other transcripts: intron variant (8).
Genome position (GRCh38, 1-based): chrX:38,285,610, A deleted on the plus strand (T on the coding strand, the reverse complement: RPGR is on the minus strand); the first of 4 consecutive A bases (chrX:38,285,610-38,285,613); deleting any one gives the same sequence. VCF-style (leftmost placement, unchanged base first): chrX-38285609-TA-T. GRCh37 (hg19) VCF-style: chrX-38144862-TA-T.
Other names: c.1569+5349del (NM_001367249.1, NM_001367250.1); c.1902+1484del (NM_001367245.1); c.1386+5349del (NM_001367251.1); c.1719+1484del (NM_001367246.1); c.1572+5349del (NM_001367247.1); c.1905+1484del (NM_000328.3); c.1602+5349del (NM_001367248.1).
Identifiers: ClinVar variation 2103748 (VCV002103748.4), dbSNP rs2519779829, ClinGen allele CA2580100790.

ClinVar aggregate classification (germline): Pathogenic (1 of 4 stars; one submission).

Conditions:
Primary ciliary dyskinesia. Also called: Ciliary dyskinesia. Identifiers: Orphanet 244, MedGen C0008780, MONDO:0016575, HP:0012265.

Submission:

Labcorp Genetics (formerly Invitae), Labcorp
Classification: Pathogenic for Primary ciliary dyskinesia. Last evaluated: 2022-08-09. Review status: criteria provided, single submitter. Criteria: Invitae Variant Classification Sherloc (09022015). Collection method: clinical testing. Allele origin: germline.
Comment: For these reasons, this variant has been classified as Pathogenic. This variant disrupts a region of the RPGR (ORF15) protein in which other variant(s) (p.Leu1130Lysfs*13) have been determined to be pathogenic (PMID: 22264887; Invitae). This suggests that this is a clinically significant region of the protein, and that variants that disrupt it are likely to be disease-causing. This variant has not been reported in the literature in individuals affected with RPGR (ORF15)-related conditions. This variant is not present in population databases (gnomAD no frequency). This sequence change creates a premature translational stop signal (p.Leu1130*) in the RPGR (ORF15) gene. While this is not anticipated to result in nonsense mediated decay, it is expected to disrupt the last 23 amino acid(s) of the RPGR (ORF15) protein.

Literature cited by the submitters: PubMed 22264887.